The following is an entry in ClinVar:

NM_001393769.1(MED12L):c.5450A>T (p.Asp1817Val)

Gene: MED12L (mediator complex subunit 12L; plus strand). Cytogenetic location: 3q25.1.
Variant type: single nucleotide variant.
Coding change: c.5450A>T on transcript NM_001393769.1 (MANE Select); coding-DNA position 5450, A replaced by T.
Protein change: p.Asp1817Val; replaces aspartic acid 1817 with valine.
Molecular consequence: missense variant.
Genome position (GRCh38, 1-based): chr3:151,388,171, A>T. VCF-style: chr3-151388171-A-T. GRCh37 (hg19) VCF-style: chr3-151105959-A-T.
Other names: c.5345A>T, p.Asp1782Val (NM_053002.6); short protein forms D1782V, D1817V.
Identifiers: ClinVar variation 2664691 (VCV002664691.1), dbSNP rs2474009966, ClinGen allele CA354977822.

ClinVar aggregate classification (germline): Uncertain significance (1 of 4 stars; one submission).

Conditions:
Nizon-Isidor syndrome. Identifiers: MedGen C5394350, MONDO:0030030, OMIM 618872.

Submission:

Genetics and Molecular Pathology, SA Pathology
Classification: Uncertain significance for Nizon-Isidor syndrome. Last evaluated: 2023-03-21. Review status: criteria provided, single submitter. Criteria: ACMG Guidelines, 2015. Collection method: clinical testing. Allele origin: germline. Inheritance: Autosomal dominant inheritance. Affected: yes.
Comment: The MED12L c.5345A>T variant is classified as a VARIANT of UNCERTAIN SIGNIFICANCE (PM2) The MED12L c.5345A>T variant is a single nucleotide change in exon 35/43 of the MED12L gene, which is predicted to change the amino acid aspartic acid at position 1782 in the protein to valine. This variant is absent from population databases (PM2). This variant has not been reported in dbSNP, ClinVar or HGMD.